The following is an entry in ClinVar:

ClinVar aggregate classification (germline): Uncertain significance (1 of 4 stars; one submission).

Allele frequency attached by ClinVar (database versions not stated): gnomAD exomes below 0.00001.
gnomAD v4.1: 1 of 1,611,656 alleles (0.000062%); highest among the groups gnomAD compares: Non-Finnish European, 0.000085%; no homozygotes.

Submission:

Labcorp Genetics (formerly Invitae), Labcorp
Classification: Uncertain significance. Last evaluated: 2025-04-08. Review status: criteria provided, single submitter. Criteria: Invitae Variant Classification Sherloc (09022015). Collection method: clinical testing. Allele origin: germline.
Comment: This sequence change replaces methionine, which is neutral and non-polar, with threonine, which is neutral and polar, at codon 327 of the RORB protein (p.Met327Thr). This variant is not present in population databases (gnomAD no frequency). This variant has not been reported in the literature in individuals affected with RORB-related conditions. ClinVar contains an entry for this variant (Variation ID: 2794799). An algorithm developed to predict the effect of missense changes on protein structure and function (PolyPhen-2) suggests that this variant is likely to be tolerated. In summary, the available evidence is currently insufficient to determine the role of this variant in disease. Therefore, it has been classified as a Variant of Uncertain Significance.

NM_006914.4(RORB):c.980T>C (p.Met327Thr)

Gene: RORB (RAR related orphan receptor B; plus strand). Cytogenetic location: 9q21.13.
Variant type: single nucleotide variant.
Coding change: c.980T>C on transcript NM_006914.4 (MANE Select); coding-DNA position 980, T replaced by C.
Protein change: p.Met327Thr; replaces methionine 327 with threonine.
Molecular consequence: missense variant.
Genome position (GRCh38, 1-based): chr9:74,665,575, T>C. VCF-style: chr9-74665575-T-C. GRCh37 (hg19) VCF-style: chr9-77280491-T-C.
Other names: c.1013T>C, p.Met338Thr (NM_001365023.1); short protein forms M327T, M338T.
Identifiers: ClinVar variation 2794799 (VCV002794799.3), dbSNP rs2489633833, ClinGen allele CA373771163.
Genomic context (GRCh38, chr9:74,665,575, plus strand): 5'-TGTGCCGTGCCTTCAACCCATTAAACAACACTGTTCTGTTTGAAGGAAAATATGGAGGAA[T>C]GCAAATGTTCAAAGCCTTAGGTAAGTTTCCCTTTGATGAGGACACAATTTTATTAGCCAC-3'
Protein context (NP_008845.2, residues 317-337): TVLFEGKYGG[Met327Thr]QMFKALGSDD